The following is an entry in ClinVar:

NM_000719.7(CACNA1C):c.309C>T (p.Ala103=)

Gene: CACNA1C (calcium voltage-gated channel subunit alpha1 C; plus strand). Cytogenetic location: 12p13.33.
Variant type: single nucleotide variant.
Coding change: c.309C>T on transcript NM_000719.7 (MANE Select); coding-DNA position 309, C replaced by T.
Protein change: p.Ala103=; no amino-acid change (alanine 103 retained).
Molecular consequence: synonymous variant.
Genome position (GRCh38, 1-based): chr12:2,115,483, C>T. VCF-style: chr12-2115483-C-T. GRCh37 (hg19) VCF-style: chr12-2224649-C-T.
Other names: c.309C>T, p.Ala103= (NM_001129827.2, NM_001129829.2, NM_001129830.3 and 19 more transcripts).
Identifiers: ClinVar variation 1609944 (VCV001609944.31), dbSNP rs757538469, ClinGen allele CA6388423.

ClinVar aggregate classification (germline): Likely benign. Review status: criteria provided, multiple submitters, no conflicts (2 of 4 stars). 3 submissions from 3 submitters: Likely benign (3). Last evaluated 2024-01-01.

Conditions:
Long QT syndrome (LQTS). Identifiers: MedGen C0023976, MeSH D008133, MONDO:0002442. Disease mechanism: loss of function. Inheritance: Various modes of inheritance.

Allele frequency attached by ClinVar (database versions not stated): gnomAD exomes below 0.00001; ExAC 0.00001.
gnomAD v4.1: 1 of 1,613,542 alleles (0.000062%); highest among the groups gnomAD compares: South Asian, 0.0011%; no homozygotes.

Submissions (3):

CeGaT Center for Human Genetics Tuebingen
Classification: Likely benign. Last evaluated: 2024-01-01. Review status: criteria provided, single submitter. Criteria: CeGaT Center For Human Genetics Tuebingen Variant Classification Criteria Version 2. Collection method: clinical testing. Allele origin: germline. Affected: yes. Observed: 1 variant allele.
Comment: CACNA1C: BP4, BP7

Blueprint Genetics
Classification: Likely benign. Last evaluated: 2022-01-24. Review status: criteria provided, single submitter. Criteria: ACMG Guidelines, 2015. Collection method: clinical testing. Allele origin: germline.

Labcorp Genetics (formerly Invitae), Labcorp
Classification: Likely benign for Long QT syndrome. Last evaluated: 2021-12-15. Review status: criteria provided, single submitter. Criteria: Invitae Variant Classification Sherloc (09022015). Collection method: clinical testing. Allele origin: germline.